The following is an entry in ClinVar:

ClinVar aggregate classification (germline): Uncertain significance (1 of 4 stars; one submission).

Submission:

Labcorp Genetics (formerly Invitae), Labcorp
Classification: Uncertain significance. Last evaluated: 2022-01-01. Review status: criteria provided, single submitter. Criteria: Invitae Variant Classification Sherloc (09022015). Collection method: clinical testing. Allele origin: germline.
Comment: This variant is not present in population databases (gnomAD no frequency). This sequence change replaces valine, which is neutral and non-polar, with leucine, which is neutral and non-polar, at codon 1662 of the MYO18B protein (p.Val1662Leu). This variant has not been reported in the literature in individuals affected with MYO18B-related conditions. In summary, the available evidence is currently insufficient to determine the role of this variant in disease. Therefore, it has been classified as a Variant of Uncertain Significance. Algorithms developed to predict the effect of missense changes on protein structure and function output the following: SIFT: "Not Available"; PolyPhen-2: "Benign"; Align-GVGD: "Not Available". The leucine amino acid residue is found in multiple mammalian species, which suggests that this missense change does not adversely affect protein function.

NM_032608.7(MYO18B):c.4984G>T (p.Val1662Leu)

Gene: MYO18B (myosin XVIIIB; plus strand). Cytogenetic location: 22q12.1.
Variant type: single nucleotide variant.
Coding change: c.4984G>T on transcript NM_032608.7 (MANE Select); coding-DNA position 4984, G replaced by T.
Protein change: p.Val1662Leu; replaces valine 1662 with leucine.
Molecular consequence: missense variant.
Genome position (GRCh38, 1-based): chr22:25,903,667, G>T. VCF-style: chr22-25903667-G-T. GRCh37 (hg19) VCF-style: chr22-26299634-G-T.
Other names: c.4987G>T, p.Val1663Leu (NM_001318245.2); short protein forms V1663L, V1662L.
Identifiers: ClinVar variation 2068908 (VCV002068908.4), dbSNP rs2091982319, ClinGen allele CA411013245.